The following is an entry in ClinVar:

ClinVar aggregate classification (germline): Conflicting classifications of pathogenicity. Review status: criteria provided, conflicting classifications (1 of 4 stars). 2 submissions from 2 submitters: Uncertain significance (1); Likely benign (1). Last evaluated 2026-06-11.

Conditions:
Primary dilated cardiomyopathy (DCM). Also called: Dilated Cardiomyopathy. Identifiers: Orphanet 217604, MedGen C0007193, MeSH D002311, MONDO:0005021, HP:0001644. Inheritance: Various modes of inheritance.
Hypertrophic cardiomyopathy. Also called: HYPERTROPHIC MYOCARDIOPATHY. Identifiers: Orphanet 217569, MedGen C0007194, MeSH D002312, MONDO:0005045, HP:0001639.

Allele frequency attached by ClinVar (database versions not stated): gnomAD exomes 0.00001; ExAC 0.00002.

Submissions (2):

Centre for Medical Genetics,  Mumbai
Classification: Likely benign for Primary dilated cardiomyopathy. Last evaluated: 2026-06-11. Review status: criteria provided, single submitter. Criteria: ACMG Guidelines, 2015. Collection method: provider interpretation. Allele origin: germline. Inheritance: Autosomal dominant inheritance. Affected: no. Observed: 1 variant allele, 1 heterozygote.
Comment: The variant satisfies PM2 criteria - extremely low frequency in gnomAD population databases. However, the variant satisfies BS2 criteria - present in heterozygous state in an individual that clinically does not have cardiomyopathy.

Labcorp Genetics (formerly Invitae), Labcorp
Classification: Uncertain significance for Hypertrophic cardiomyopathy. Last evaluated: 2023-09-22. Review status: criteria provided, single submitter. Criteria: Invitae Variant Classification Sherloc (09022015). Collection method: clinical testing. Allele origin: germline.
Comment: In summary, the available evidence is currently insufficient to determine the role of this variant in disease. Therefore, it has been classified as a Variant of Uncertain Significance. Algorithms developed to predict the effect of sequence changes on RNA splicing suggest that this variant may disrupt the consensus splice site. ClinVar contains an entry for this variant (Variation ID: 1346884). This variant has not been reported in the literature in individuals affected with MYOM1-related conditions. This variant is present in population databases (rs769418179, gnomAD 0.0009%). This sequence change affects a donor splice site in intron 24 of the MYOM1 gene. It is expected to disrupt RNA splicing. Variants that disrupt the donor or acceptor splice site typically lead to a loss of protein function (PMID: 16199547), however the current clinical and genetic evidence is not sufficient to establish whether loss-of-function variants in MYOM1 cause disease.

Literature cited by the submitters: PubMed 10744711 (cited by Centre for Medical Genetics,  Mumbai); PubMed 16199547 (cited by Labcorp Genetics (formerly Invitae), Labcorp).

NM_003803.4(MYOM1):c.3682+1G>T

Gene: MYOM1 (myomesin 1; minus strand). Cytogenetic location: 18p11.31.
Variant type: single nucleotide variant.
Coding change: c.3682+1G>T on transcript NM_003803.4 (MANE Select); the canonical splice donor site of the intron after coding-DNA position 3682, G replaced by T.
Molecular consequence: splice donor variant.
Genome position (GRCh38, 1-based): chr18:3,100,319, C>A on the plus strand (G>T on the coding strand, the complement: MYOM1 is on the minus strand). VCF-style: chr18-3100319-C-A. GRCh37 (hg19) VCF-style: chr18-3100317-C-A.
Other names: c.3394+1G>T (NM_019856.2).
Identifiers: ClinVar variation 1346884 (VCV001346884.7), dbSNP rs769418179, ClinGen allele CA8874221.